The following is an entry in ClinVar:

ClinVar aggregate classification (germline): Uncertain significance (1 of 4 stars; one submission).

Allele frequency attached by ClinVar (database versions not stated): ExAC 0.00002; gnomAD 0.00005; gnomAD exomes below 0.00001; TOPMed 0.00001.
gnomAD v4.1: 9 of 1,204,599 alleles (0.00075%); highest among the groups gnomAD compares: African/African-American, 0.014%; no homozygotes.

Submission:

Labcorp Genetics (formerly Invitae), Labcorp
Classification: Uncertain significance. Last evaluated: 2025-07-27. Review status: criteria provided, single submitter. Criteria: Invitae Variant Classification Sherloc (09022015). Collection method: clinical testing. Allele origin: germline.
Comment: This sequence change falls in intron 18 of the TBC1D8B gene. It does not directly change the encoded amino acid sequence of the TBC1D8B protein. It affects a nucleotide within the consensus splice site. This variant is present in population databases (rs763197639, gnomAD 0.03%). This variant has not been reported in the literature in individuals affected with TBC1D8B-related conditions. ClinVar contains an entry for this variant (Variation ID: 2979211). Variants that disrupt the consensus splice site are a relatively common cause of aberrant splicing (PMID: 17576681, 9536098). Algorithms developed to predict the effect of sequence changes on RNA splicing suggest that this variant is not likely to affect RNA splicing. In summary, the available evidence is currently insufficient to determine the role of this variant in disease. Therefore, it has been classified as a Variant of Uncertain Significance.

Literature cited by the submitters: PubMed 17576681; PubMed 9536098.

NM_017752.3(TBC1D8B):c.2813-3T>C

Gene: TBC1D8B (TBC1 domain family member 8B; plus strand). Cytogenetic location: Xq22.3.
Variant type: single nucleotide variant.
Coding change: c.2813-3T>C on transcript NM_017752.3 (MANE Select); 3 bases into the intron before coding-DNA position 2813, T replaced by C.
Molecular consequence: intron variant.
Genome position (GRCh38, 1-based): chrX:106,869,482, T>C. VCF-style: chrX-106869482-T-C. GRCh37 (hg19) VCF-style: chrX-106112712-T-C.
Identifiers: ClinVar variation 2979211 (VCV002979211.3), dbSNP rs763197639, ClinGen allele CA10483440.